The following is an entry in ClinVar:

NM_001040108.2(MLH3):c.1222T>A (p.Ser408Thr)

Gene: MLH3 (mutL homolog 3; minus strand). Cytogenetic location: 14q24.3.
Variant type: single nucleotide variant.
Coding change: c.1222T>A on transcript NM_001040108.2 (MANE Select); coding-DNA position 1222, T replaced by A.
Protein change: p.Ser408Thr; replaces serine 408 with threonine.
Molecular consequence: missense variant.
Genome position (GRCh38, 1-based): chr14:75,048,434, A>T on the plus strand (T>A on the coding strand, the complement: MLH3 is on the minus strand). VCF-style: chr14-75048434-A-T. GRCh37 (hg19) VCF-style: chr14-75515137-A-T.
Other names: c.1222T>A, p.Ser408Thr (NM_014381.3); short protein forms S408T.
Identifiers: ClinVar variation 1753490 (VCV001753490.2), dbSNP rs2139588003, ClinGen allele CA390446952.

ClinVar aggregate classification (germline): Uncertain significance (1 of 4 stars; one submission).

Submission:

Ambry Genetics
Classification: Uncertain significance. Last evaluated: 2021-12-11. Review status: criteria provided, single submitter. Criteria: Ambry Variant Classification Scheme 2023. Collection method: clinical testing. Allele origin: germline.
Comment: The p.S408T variant (also known as c.1222T>A), located in coding exon 1 of the MLH3 gene, results from a T to A substitution at nucleotide position 1222. The serine at codon 408 is replaced by threonine, an amino acid with similar properties. This amino acid position is conserved. In addition, the in silico prediction for this alteration is inconclusive. Since supporting evidence is limited at this time, the clinical significance of this alteration remains unclear.